The following is an entry in ClinVar:

ClinVar aggregate classification (germline): Likely benign (1 of 4 stars; one submission).

Allele frequency attached by ClinVar (database versions not stated): ESP Exome Variant Server 0.00054; TOPMed 0.00043.
gnomAD v4.1: 760 of 1,613,414 alleles (0.047%); highest among the groups gnomAD compares: Middle Eastern, 0.42%; 1 homozygote.

Submission:

CeGaT Center for Human Genetics Tuebingen
Classification: Likely benign. Last evaluated: 2024-10-01. Review status: criteria provided, single submitter. Criteria: CeGaT Center For Human Genetics Tuebingen Variant Classification Criteria Version 2. Collection method: clinical testing. Allele origin: germline. Affected: yes. Observed: 2 variant alleles.
Comment: CCDC180: BP4, BP7

NM_020893.6(CCDC180):c.4899T>G (p.Ser1633=)

Genes: CCDC180 (coiled-coil domain containing 180; plus strand), SUGT1P4-STRA6LP-CCDC180 (SUGT1P4-STRA6LP-CCDC180 readthrough; plus strand). Cytogenetic location: 9q22.33.
Variant type: single nucleotide variant.
Coding change: c.4899T>G on transcript NM_020893.6 (MANE Select); coding-DNA position 4899, T replaced by G.
Protein change: p.Ser1633=; no amino-acid change (serine 1633 retained).
Molecular consequence: synonymous variant. On other transcripts: non-coding transcript variant (3).
Genome position (GRCh38, 1-based): chr9:97,376,819, T>G. VCF-style: chr9-97376819-T-G. GRCh37 (hg19) VCF-style: chr9-100139101-T-G.
Identifiers: ClinVar variation 2659336 (VCV002659336.24), dbSNP rs142332421, ClinGen allele CA5146300.